The following is an entry in ClinVar:

ClinVar aggregate classification (germline): Uncertain significance. Review status: criteria provided, multiple submitters, no conflicts (2 of 4 stars). 5 submissions from 5 submitters: Uncertain significance (4). 1 of the submissions does not count toward it. Last evaluated 2024-05-20.

Conditions:
Epilepsy, progressive myoclonic, 1B. Also called: PME. Identifiers: Orphanet 308, MedGen C2676254, MONDO:0012904, OMIM 612437.
Intellectual disability. Also called: Intellectual developmental disorder; Intellectual functioning disability; intellectual disabilities. Identifiers: MedGen C3714756, MeSH D008607, MONDO:0001071, HP:0001249.

Allele frequency attached by ClinVar (database versions not stated): gnomAD 0.00006 and 0.00007; 1000 Genomes Project 0.00020; ESP Exome Variant Server 0.00023; TOPMed 0.00005; gnomAD exomes 0.00006 and 0.00004; 1000 Genomes Project 30x 0.00016; ExAC 0.00007.
gnomAD v4.1: 101 of 1,614,198 alleles (0.0063%); highest among the groups gnomAD compares: Admixed American, 0.01%; no homozygotes.

Submissions (5):

Labcorp Genetics (formerly Invitae), Labcorp
Classification: Uncertain significance for Epilepsy, progressive myoclonic, 1B. Last evaluated: 2024-05-20. Review status: criteria provided, single submitter. Criteria: Invitae Variant Classification Sherloc (09022015). Collection method: clinical testing. Allele origin: germline.
Comment: This sequence change replaces glycine, which is neutral and non-polar, with serine, which is neutral and polar, at codon 235 of the PRICKLE1 protein (p.Gly235Ser). This variant is present in population databases (rs375197568, gnomAD 0.01%). This variant has not been reported in the literature in individuals affected with PRICKLE1-related conditions. ClinVar contains an entry for this variant (Variation ID: 500189). Advanced modeling of protein sequence and biophysical properties (such as structural, functional, and spatial information, amino acid conservation, physicochemical variation, residue mobility, and thermodynamic stability) performed at Invitae indicates that this missense variant is not expected to disrupt PRICKLE1 protein function with a negative predictive value of 80%. In summary, the available evidence is currently insufficient to determine the role of this variant in disease. Therefore, it has been classified as a Variant of Uncertain Significance.

Ambry Genetics
Classification: Uncertain significance. Last evaluated: 2023-05-26. Review status: criteria provided, single submitter. Criteria: Ambry Variant Classification Scheme 2023. Collection method: clinical testing. Allele origin: germline.
Comment: Does not currently meet published gene-disease clinical validity criteria. Smith, 2017 Based on insufficient or conflicting evidence, the clinical significance of this alteration remains unclear.

Mayo Clinic Laboratories, Mayo Clinic
Classification: Uncertain significance. Last evaluated: 2021-08-11. Review status: criteria provided, single submitter. Criteria: ACMG Guidelines, 2015. Collection method: clinical testing. Allele origin: germline.

Eurofins Ntd Llc (ga)
Classification: Uncertain significance. Last evaluated: 2017-02-08. Review status: criteria provided, single submitter. Criteria: EGL Classification Definitions 2015. Collection method: clinical testing. Allele origin: germline. Observed: 1 variant allele, 1 heterozygote.

Centre de Biologie Pathologie Génétique, Centre Hospitalier Universitaire de Lille
Classification: Likely benign for Intellectual disability. Last evaluated: 2019-01-01. Review status: no assertion criteria provided. Collection method: clinical testing. Allele origin: inherited. Affected: yes. Not counted in ClinVar's aggregate classification.

Literature cited by the submitters: PubMed 28106320 (cited by Ambry Genetics).

NM_153026.3(PRICKLE1):c.703G>A (p.Gly235Ser)

Gene: PRICKLE1 (prickle planar cell polarity protein 1; minus strand). Cytogenetic location: 12q12.
Variant type: single nucleotide variant.
Coding change: c.703G>A on transcript NM_153026.3 (MANE Select); coding-DNA position 703, G replaced by A.
Protein change: p.Gly235Ser; replaces glycine 235 with serine.
Molecular consequence: missense variant.
Genome position (GRCh38, 1-based): chr12:42,466,266, C>T on the plus strand (G>A on the coding strand, the complement: PRICKLE1 is on the minus strand). VCF-style: chr12-42466266-C-T. GRCh37 (hg19) VCF-style: chr12-42860068-C-T.
Other names: p.Gly235Ser; c.703G>A, p.Gly235Ser (NM_001144881.2, NM_001144882.2, NM_001144883.2); short protein forms G235S.
Identifiers: ClinVar variation 500189 (VCV000500189.18), dbSNP rs375197568, ClinGen allele CA6519861.